The following is an entry in ClinVar:

NM_014159.7(SETD2):c.7256C>G (p.Pro2419Arg)

Gene: SETD2 (SET domain containing 2, histone lysine methyltransferase; minus strand). Cytogenetic location: 3p21.31.
Variant type: single nucleotide variant.
Coding change: c.7256C>G on transcript NM_014159.7 (MANE Select); coding-DNA position 7256, C replaced by G.
Protein change: p.Pro2419Arg; replaces proline 2419 with arginine.
Molecular consequence: missense variant. On other transcripts: non-coding transcript variant (1).
Genome position (GRCh38, 1-based): chr3:47,037,760, G>C on the plus strand (C>G on the coding strand, the complement: SETD2 is on the minus strand). VCF-style: chr3-47037760-G-C. GRCh37 (hg19) VCF-style: chr3-47079250-G-C.
Other names: c.7124C>G, p.Pro2375Arg (NM_001349370.3); short protein forms P2375R, P2419R.
Identifiers: ClinVar variation 4813561 (VCV004813561.1).

ClinVar aggregate classification (germline): Uncertain significance (1 of 4 stars; one submission).

Conditions:
Intellectual developmental disorder, autosomal dominant 70. Identifiers: MedGen C5774271, MONDO:0859333, OMIM 620157.

Submission:

Mendelics
Classification: Uncertain significance for Intellectual developmental disorder, autosomal dominant 70. Last evaluated: 2026-03-05. Review status: criteria provided, single submitter. Criteria: ACMG Guidelines, 2015. Collection method: clinical testing. Allele origin: unknown.
Comment: The available evidence is insufficient to conclusively determine the role of this variant. Therefore, it is classified as a Variant of Uncertain Significance.